The following is an entry in ClinVar:

ClinVar aggregate classification (germline): Likely benign (1 of 4 stars; one submission).

Submission:

CeGaT Center for Human Genetics Tuebingen
Classification: Likely benign. Last evaluated: 2025-08-01. Review status: criteria provided, single submitter. Criteria: CeGaT Center For Human Genetics Tuebingen Variant Classification Criteria Version 2. Collection method: clinical testing. Allele origin: germline. Affected: yes. Observed: 1 variant allele.
Comment: ALK: PM2:Supporting, BP4, BP7

NM_004304.5(ALK):c.2580A>G (p.Arg860=)

Gene: ALK (ALK receptor tyrosine kinase; minus strand). Cytogenetic location: 2p23.2.
Variant type: single nucleotide variant.
Coding change: c.2580A>G on transcript NM_004304.5 (MANE Select); coding-DNA position 2580, A replaced by G.
Protein change: p.Arg860=; no amino-acid change (arginine 860 retained).
Molecular consequence: synonymous variant.
Genome position (GRCh38, 1-based): chr2:29,232,356, T>C on the plus strand (A>G on the coding strand, the complement: ALK is on the minus strand). VCF-style: chr2-29232356-T-C. GRCh37 (hg19) VCF-style: chr2-29455222-T-C.
Identifiers: ClinVar variation 4085677 (VCV004085677.8).